The following is an entry in ClinVar:

NC_000018.9:g.(?_46570425)_(48604837_?)dup

Genes: MBD1 (methyl-CpG binding domain protein 1; minus strand), ME2 (malic enzyme 2; plus strand), MRO (maestro; minus strand), MAPK4 (mitogen-activated protein kinase 4; plus strand), ACAA2 (acetyl-CoA acyltransferase 2; minus strand) and 11 more. Cytogenetic location: 18q21.1-21.2.
Variant type: Duplication.
Identifiers: ClinVar variation 1412074 (VCV001412074.2).

ClinVar aggregate classification (germline): Uncertain significance (1 of 4 stars; one submission).

Submission:

Labcorp Genetics (formerly Invitae), Labcorp
Classification: Uncertain significance. Last evaluated: 2022-07-19. Review status: criteria provided, single submitter. Criteria: Invitae Variant Classification Sherloc (09022015). Collection method: clinical testing. Allele origin: germline.
Comment: In summary, the available evidence is currently insufficient to determine the role of this variant in disease. Therefore, it has been classified as a Variant of Uncertain Significance. This variant has not been reported in the literature in individuals affected with DYM-related conditions. A copy number gain of the genomic region encompassing the full coding sequence of the DYM gene has been identified. The boundaries of this event are unknown as they extend beyond the assayed region for this gene and therefore may encompass additional genes. As the precise location of this event is unknown, it may be in tandem or it may be located elsewhere in the genome.